The following is an entry in ClinVar:

ClinVar aggregate classification (germline): Uncertain significance (1 of 4 stars; one submission).

Conditions:
Renal cell carcinoma. Identifiers: Orphanet 217071, MedGen C0007134, MeSH D002292, MONDO:0005086, HP:0005584.

Submission:

Labcorp Genetics (formerly Invitae), Labcorp
Classification: Uncertain significance for Renal cell carcinoma. Last evaluated: 2022-04-18. Review status: criteria provided, single submitter. Criteria: Invitae Variant Classification Sherloc (09022015). Collection method: clinical testing. Allele origin: germline.
Comment: This variant is not present in population databases (gnomAD no frequency). This variant has not been reported in the literature in individuals affected with MET-related conditions. Algorithms developed to predict the effect of missense changes on protein structure and function output the following: SIFT: "Tolerated"; PolyPhen-2: "Benign"; Align-GVGD: "Class C0". The threonine amino acid residue is found in multiple mammalian species, which suggests that this missense change does not adversely affect protein function. In summary, the available evidence is currently insufficient to determine the role of this variant in disease. Therefore, it has been classified as a Variant of Uncertain Significance. This sequence change replaces alanine, which is neutral and non-polar, with threonine, which is neutral and polar, at codon 1357 of the MET protein (p.Ala1357Thr).

NM_000245.4(MET):c.4015G>A (p.Ala1339Thr)

Gene: MET (MET proto-oncogene, receptor tyrosine kinase; plus strand). Cytogenetic location: 7q31.2.
Variant type: single nucleotide variant.
Coding change: c.4015G>A on transcript NM_000245.4 (MANE Select); coding-DNA position 4015, G replaced by A.
Protein change: p.Ala1339Thr; replaces alanine 1339 with threonine.
Molecular consequence: missense variant.
Genome position (GRCh38, 1-based): chr7:116,795,966, G>A. VCF-style: chr7-116795966-G-A. GRCh37 (hg19) VCF-style: chr7-116436020-G-A.
Other names: c.4069G>A, p.Ala1357Thr (NM_001127500.3); c.2725G>A, p.Ala909Thr (NM_001324402.2); short protein forms A1357T, A1339T, A909T.
Identifiers: ClinVar variation 2127862 (VCV002127862.4), dbSNP rs1795658722, ClinGen allele CA369118211.